The following is an entry in ClinVar:

ClinVar aggregate classification (germline): Conflicting classifications of pathogenicity. Review status: criteria provided, conflicting classifications (1 of 4 stars). 2 submissions from 2 submitters: Uncertain significance (1); Likely benign (1). Last evaluated 2023-11-11.

Conditions:
Progressive sclerosing poliodystrophy (MTDPS4A). Also called: ALPERS PROGRESSIVE INFANTILE POLIODYSTROPHY; NEURONAL DEGENERATION OF CHILDHOOD WITH LIVER DISEASE, PROGRESSIVE; Alpers-Huttenlocher Syndrome (AHS); Alpers Syndrome; Mitochondrial DNA Depletion Syndrome 4A; ALPERS DIFFUSE DEGENERATION OF CEREBRAL GRAY MATTER WITH HEPATIC CIRRHOSIS. Identifiers: Orphanet 726, MedGen C0205710, MONDO:0008758, OMIM 203700.

Allele frequency attached by ClinVar (database versions not stated): gnomAD exomes below 0.00001; TOPMed below 0.00001.
gnomAD v4.1: 3 of 1,614,008 alleles (0.00019%); highest among the groups gnomAD compares: African/African-American, 0.0013%; no homozygotes.

Submissions (2):

Labcorp Genetics (formerly Invitae), Labcorp
Classification: Uncertain significance for Progressive sclerosing poliodystrophy. Last evaluated: 2023-11-11. Review status: criteria provided, single submitter. Criteria: Invitae Variant Classification Sherloc (09022015). Collection method: clinical testing. Allele origin: germline.
Comment: This sequence change replaces leucine, which is neutral and non-polar, with phenylalanine, which is neutral and non-polar, at codon 530 of the POLG protein (p.Leu530Phe). This variant is present in population databases (no rsID available, gnomAD 0.007%). This variant has not been reported in the literature in individuals affected with POLG-related conditions. ClinVar contains an entry for this variant (Variation ID: 380399). An algorithm developed to predict the effect of missense changes on protein structure and function (PolyPhen-2) suggests that this variant is likely to be tolerated. In summary, the available evidence is currently insufficient to determine the role of this variant in disease. Therefore, it has been classified as a Variant of Uncertain Significance.

GeneDx
Classification: Likely benign. Last evaluated: 2015-08-20. Review status: criteria provided, single submitter. Criteria: GeneDx Variant Classification (06012015). Collection method: clinical testing. Allele origin: germline. Affected: yes.
Comment: This variant is considered likely benign or benign based on one or more of the following criteria: it is a conservative change, it occurs at a poorly conserved position in the protein, it is predicted to be benign by multiple in silico algorithms, and/or has population frequency not consistent with disease.

NM_002693.3(POLG):c.1588C>T (p.Leu530Phe)

Gene: POLG (DNA polymerase gamma, catalytic subunit; minus strand). Cytogenetic location: 15q26.1.
Variant type: single nucleotide variant.
Coding change: c.1588C>T on transcript NM_002693.3 (MANE Select); coding-DNA position 1588, C replaced by T.
Protein change: p.Leu530Phe; replaces leucine 530 with phenylalanine.
Molecular consequence: missense variant.
Genome position (GRCh38, 1-based): chr15:89,326,736, G>A on the plus strand (C>T on the coding strand, the complement: POLG is on the minus strand). VCF-style: chr15-89326736-G-A. GRCh37 (hg19) VCF-style: chr15-89869967-G-A.
Other names: c.1588C>T, p.Leu530Phe (NM_001126131.2); short protein forms L530F.
Identifiers: ClinVar variation 380399 (VCV000380399.4), dbSNP rs1024469208, ClinGen allele CA16607913.